The following is an entry in ClinVar:

ClinVar aggregate classification (germline): Likely benign. Review status: criteria provided, multiple submitters, no conflicts (2 of 4 stars). 5 submissions from 5 submitters: Likely benign (5). Last evaluated 2026-02-19.

Conditions:
BRAT1-related disorder. Also called: BRAT1-related disorders; BRAT1-related condition.
Neonatal-onset encephalopathy with rigidity and seizures. Also called: Lethal neonatal spasticity-epileptic encephalopathy syndrome. Identifiers: Orphanet 435845, MedGen C3281029, MONDO:0013784, OMIM 614498.

Allele frequency attached by ClinVar (database versions not stated): TOPMed 0.00018; ExAC 0.00027; gnomAD exomes 0.00010; gnomAD 0.00013 and 0.00014; ESP Exome Variant Server 0.00015.

Submissions (5):

PreventionGenetics, part of Exact Sciences
Classification: Likely benign for BRAT1-related condition. Last evaluated: 2026-02-19. Review status: criteria provided, single submitter. Criteria: ACMG Guidelines, 2015. Collection method: clinical testing. Allele origin: germline.
Comment: This variant is classified as likely benign based on ACMG/AMP sequence variant interpretation guidelines (Richards et al. 2015 PMID: 25741868, with internal and published modifications).

Labcorp Genetics (formerly Invitae), Labcorp
Classification: Likely benign for Neonatal-onset encephalopathy with rigidity and seizures. Last evaluated: 2026-01-17. Review status: criteria provided, single submitter. Criteria: Invitae Variant Classification Sherloc (09022015). Collection method: clinical testing. Allele origin: germline.

Blueprint Genetics
Classification: Likely benign. Last evaluated: 2024-11-13. Review status: criteria provided, single submitter. Criteria: ACMG Guidelines, 2015. Collection method: clinical testing. Allele origin: germline.

CeGaT Center for Human Genetics Tuebingen
Classification: Likely benign. Last evaluated: 2023-02-01. Review status: criteria provided, single submitter. Criteria: CeGaT Center For Human Genetics Tuebingen Variant Classification Criteria Version 2. Collection method: clinical testing. Allele origin: germline. Affected: yes. Observed: 2 variant alleles.
Comment: BRAT1: BP4, BP7

GeneDx
Classification: Likely benign. Last evaluated: 2020-12-14. Review status: criteria provided, single submitter. Criteria: GeneDx Variant Classification Process June 2021. Collection method: clinical testing. Allele origin: germline. Affected: yes.

NM_152743.4(BRAT1):c.354C>T (p.Thr118=)

Gene: BRAT1 (BRCA1 associated ATM activator 1; minus strand). Cytogenetic location: 7p22.3.
Variant type: single nucleotide variant.
Coding change: c.354C>T on transcript NM_152743.4 (MANE Select); coding-DNA position 354, C replaced by T.
Protein change: p.Thr118=; no amino-acid change (threonine 118 retained).
Molecular consequence: synonymous variant. On other transcripts: non-coding transcript variant (1), intron variant (1).
Genome position (GRCh38, 1-based): chr7:2,544,985, G>A on the plus strand (C>T on the coding strand, the complement: BRAT1 is on the minus strand). VCF-style: chr7-2544985-G-A. GRCh37 (hg19) VCF-style: chr7-2584619-G-A.
Other names: c.354C>T, p.Thr118= (NM_001350626.2); c.-95-1023C>T (NM_001350627.2).
Identifiers: ClinVar variation 540193 (VCV000540193.48), dbSNP rs148913309, ClinGen allele CA4128230.
Genomic context (GRCh38, chr7:2,544,985, plus strand): 5'-GCGCAGGGCGCTGGGGTGCTGTGCCAGGGAGCGCAGGCCCTGGATCCAGCCGCTGCGCAC[G>A]GTGGGGACGGCCCAGGTTGCTCGGCCGAGGGGTCCTGGCTCCCCAAAGAGCCCTGGTAGT-3'
Protein context (NP_689956.2, residues 108-128): PLGRATWAVP[Thr118=]VRSGWIQGLR